The following is an entry in ClinVar:

NM_000329.3(RPE65):c.462G>C (p.Lys154Asn)

Gene: RPE65 (retinoid isomerohydrolase RPE65; minus strand). Cytogenetic location: 1p31.3.
Variant type: single nucleotide variant.
Coding change: c.462G>C on transcript NM_000329.3 (MANE Select); coding-DNA position 462, G replaced by C.
Protein change: p.Lys154Asn; replaces lysine 154 with asparagine.
Molecular consequence: missense variant.
Genome position (GRCh38, 1-based): chr1:68,444,564, C>G on the plus strand (G>C on the coding strand, the complement: RPE65 is on the minus strand). VCF-style: chr1-68444564-C-G. GRCh37 (hg19) VCF-style: chr1-68910247-C-G.
Other names: short protein forms K154N.
Identifiers: ClinVar variation 1209663 (VCV001209663.10), dbSNP rs2100827532, ClinGen allele CA340747561.

ClinVar aggregate classification (germline): Uncertain significance. Review status: criteria provided, multiple submitters, no conflicts (2 of 4 stars). 2 submissions from 2 submitters: Uncertain significance (2). Last evaluated 2024-11-05.

Conditions:
Cone-rod dystrophy 15 (CORD15). Identifiers: MedGen C3150912, MONDO:0013348, OMIM 613660.
Leber congenital amaurosis 2 (LCA2). Also called: Autosomal Recessive RPE65-Related Retinal Degeneration; AMAUROSIS CONGENITA OF LEBER II. Identifiers: Orphanet 65, MedGen C1859844, MONDO:0008765, OMIM 204100. Disease mechanism: loss of function.
Retinitis pigmentosa 20 (RP20). Identifiers: Orphanet 791, MedGen C3151086, MONDO:0013425, OMIM 613794.

gnomAD v4.1: 2 of 1,614,158 alleles (0.00012%); highest among the groups gnomAD compares: South Asian, 0.0011%; no homozygotes.

Submissions (2):

Labcorp Genetics (formerly Invitae), Labcorp
Classification: Uncertain significance for Leber congenital amaurosis 2; Retinitis pigmentosa 20. Last evaluated: 2024-11-05. Review status: criteria provided, single submitter. Criteria: Invitae Variant Classification Sherloc (09022015). Collection method: clinical testing. Allele origin: germline.
Comment: This sequence change replaces lysine, which is basic and polar, with asparagine, which is neutral and polar, at codon 154 of the RPE65 protein (p.Lys154Asn). This variant is not present in population databases (gnomAD no frequency). This variant has not been reported in the literature in individuals affected with RPE65-related conditions. ClinVar contains an entry for this variant (Variation ID: 1209663). Invitae Evidence Modeling of protein sequence and biophysical properties (such as structural, functional, and spatial information, amino acid conservation, physicochemical variation, residue mobility, and thermodynamic stability) indicates that this missense variant is expected to disrupt RPE65 protein function with a positive predictive value of 80%. In summary, the available evidence is currently insufficient to determine the role of this variant in disease. Therefore, it has been classified as a Variant of Uncertain Significance.

Genome-Nilou Lab
Classification: Uncertain significance for Cone-rod dystrophy 15. Last evaluated: 2021-07-22. Review status: criteria provided, single submitter. Criteria: ACMG Guidelines, 2015. Collection method: clinical testing. Allele origin: germline. Affected: no.